The following is an entry in ClinVar:

ClinVar aggregate classification (germline): Benign/Likely benign. Review status: criteria provided, multiple submitters, no conflicts (2 of 4 stars). 9 submissions from 9 submitters: Benign (5); Likely benign (2). 2 of the submissions do not count toward it. Last evaluated 2026-01-26.

Conditions:
Retinitis pigmentosa (RP). Identifiers: Orphanet 791, MedGen C0035334, MeSH D012174, MONDO:0019200, OMIM 268000. Inheritance: Autosomal dominant, autosomal recessive and X linked inheritance.
Retinitis pigmentosa 54 (RP54). Identifiers: Orphanet 791, MedGen C3150691, MONDO:0013263, OMIM 613428.

Allele frequency attached by ClinVar (database versions not stated): 1000 Genomes Project 0.00280; 1000 Genomes Project 30x 0.00312; TOPMed 0.00359; gnomAD 0.00417; ESP Exome Variant Server 0.00439; gnomAD exomes 0.00479 and 0.00544; ExAC 0.00738.
gnomAD v4.1: 8,551 of 1,607,924 alleles (0.53%); highest among the groups gnomAD compares: Middle Eastern, 1.4%; 36 homozygotes.

Submissions (9):

Labcorp Genetics (formerly Invitae), Labcorp
Classification: Benign. Last evaluated: 2026-01-26. Review status: criteria provided, single submitter. Criteria: Invitae Variant Classification Sherloc (09022015). Collection method: clinical testing. Allele origin: germline.

CeGaT Center for Human Genetics Tuebingen
Classification: Likely benign. Last evaluated: 2025-11-01. Review status: criteria provided, single submitter. Criteria: CeGaT Center For Human Genetics Tuebingen Variant Classification Criteria Version 2. Collection method: clinical testing. Allele origin: germline. Affected: yes. Observed: 9 variant alleles.
Comment: PCARE: BP4, BS2

Blueprint Genetics
Classification: Likely benign. Last evaluated: 2024-11-21. Review status: criteria provided, single submitter. Criteria: ACMG Guidelines, 2015. Collection method: clinical testing. Allele origin: germline.

ARUP Laboratories, Molecular Genetics and Genomics, ARUP Laboratories
Classification: Benign for Retinitis pigmentosa 54. Last evaluated: 2023-09-28. Review status: criteria provided, single submitter. Criteria: ARUP Molecular Germline Variant Investigation Process 2024. Collection method: clinical testing. Allele origin: germline.

Illumina Laboratory Services, Illumina
Classification: Benign for Retinitis pigmentosa. Last evaluated: 2017-04-27. Review status: criteria provided, single submitter. Criteria: ICSL Variant Classification Criteria 13 December 2019. Collection method: clinical testing. Allele origin: germline.
Comment: This variant was observed as part of a predisposition screen in an ostensibly healthy population. A literature search was performed for the gene, cDNA change, and amino acid change (where applicable). No publications were found based on this search. Allele frequency data from public databases was too high to be consistent with this variant causing disease. Therefore, this variant is classified as benign.

Eurofins Ntd Llc (ga)
Classification: Benign. Last evaluated: 2016-08-08. Review status: criteria provided, single submitter. Criteria: EGL Classification Definitions 2015. Collection method: clinical testing. Allele origin: germline. Observed: 4 variant alleles, 4 heterozygotes.

Breakthrough Genomics
Classification: Benign. Review status: criteria provided, single submitter. Criteria: ACMG Guidelines, 2015. Collection method: not provided. Allele origin: germline. Inheritance: Unknown mechanism. Affected: yes.

Clinical Genetics DNA and cytogenetics Diagnostics Lab, Erasmus MC, Erasmus Medical Center
Classification: Benign. Review status: no assertion criteria provided. Collection method: clinical testing. Allele origin: germline. Affected: yes. Study: VKGL Data-share Consensus. Not counted in ClinVar's aggregate classification.

Clinical Genetics, Academic Medical Center
Classification: Benign. Review status: no assertion criteria provided. Collection method: clinical testing. Allele origin: germline. Affected: yes. Study: VKGL Data-share Consensus. Not counted in ClinVar's aggregate classification.

NM_001029883.3(PCARE):c.3789G>A (p.Leu1263=)

Gene: PCARE (photoreceptor cilium actin regulator; minus strand). Cytogenetic location: 2p23.2.
Variant type: single nucleotide variant.
Coding change: c.3789G>A on transcript NM_001029883.3 (MANE Select); coding-DNA position 3789, G replaced by A.
Protein change: p.Leu1263=; no amino-acid change (leucine 1263 retained).
Molecular consequence: synonymous variant.
Genome position (GRCh38, 1-based): chr2:29,064,947, C>T on the plus strand (G>A on the coding strand, the complement: PCARE is on the minus strand). VCF-style: chr2-29064947-C-T. GRCh37 (hg19) VCF-style: chr2-29287813-C-T.
Identifiers: ClinVar variation 166758 (VCV000166758.56), dbSNP rs199689791, ClinGen allele CA233551.
Genomic context (GRCh38, chr2:29,064,947, plus strand): 5'-CTGGGGCTGCGCCTCTGGCTGGGATTTGTCCTGGATGTGGCCGGTCCGAGGCTCCGGTTG[C>T]AGCCCGTGGCCCAGCACACAGAACTCTGGGGGAGATGCACGCCTGGTGCCGCCCTGCAGT-3'
Protein context (NP_001025054.1, residues 1253-1273): PPEFCVLGHG[Leu1263=]QPEPRTGHIQ